The following is an entry in ClinVar:

NM_001378615.1(CC2D2A):c.4838T>C (p.Val1613Ala)

Genes: CC2D2A (coiled-coil and C2 domain containing 2A; plus strand), FBXL5 (F-box and leucine rich repeat protein 5; minus strand). Cytogenetic location: 4p15.32.
Variant type: single nucleotide variant.
Coding change: c.4838T>C on transcript NM_001378615.1 (MANE Select); coding-DNA position 4838, T replaced by C.
Protein change: p.Val1613Ala; replaces valine 1613 with alanine.
Molecular consequence: missense variant.
Genome position (GRCh38, 1-based): chr4:15,601,400, T>C. VCF-style: chr4-15601400-T-C. GRCh37 (hg19) VCF-style: chr4-15603023-T-C.
Other names: c.4838T>C, p.Val1613Ala (NM_001080522.2); c.4691T>C, p.Val1564Ala (NM_001378617.1); short protein forms V1613A, V1564A.
Identifiers: ClinVar variation 283214 (VCV000283214.8), dbSNP rs769264337, ClinGen allele CA2864489.

ClinVar aggregate classification (germline): Uncertain significance. Review status: criteria provided, multiple submitters, no conflicts (2 of 4 stars). 3 submissions from 3 submitters: Uncertain significance (3). Last evaluated 2023-09-28.

Conditions:
Joubert syndrome. Also called: Familial aplasia of the vermis; JOUBERT-BOLTSHAUSER SYNDROME. Identifiers: Orphanet 475, MedGen C5979921, MONDO:0018772.
Meckel-Gruber syndrome. Also called: Dysencephalia splachnocystica; DYSENCEPHALIA SPLANCHNOCYSTICA; GRUBER SYNDROME. Identifiers: Orphanet 564, MedGen C0265215, MONDO:0018921.

Allele frequency attached by ClinVar (database versions not stated): ExAC 0.00001; gnomAD 0.00001 and 0.00002; gnomAD exomes 0.00001; TOPMed 0.00001.
gnomAD v4.1: 14 of 1,549,244 alleles (0.0009%); highest among the groups gnomAD compares: East Asian, 0.0046%; no homozygotes.

Submissions (3):

Blueprint Genetics
Classification: Uncertain significance. Last evaluated: 2023-09-28. Review status: criteria provided, single submitter. Criteria: ACMG Guidelines, 2015. Collection method: clinical testing. Allele origin: germline.

Labcorp Genetics (formerly Invitae), Labcorp
Classification: Uncertain significance for Joubert syndrome; Meckel-Gruber syndrome. Last evaluated: 2022-08-19. Review status: criteria provided, single submitter. Criteria: Invitae Variant Classification Sherloc (09022015). Collection method: clinical testing. Allele origin: germline.
Comment: This sequence change replaces valine, which is neutral and non-polar, with alanine, which is neutral and non-polar, at codon 1613 of the CC2D2A protein (p.Val1613Ala). The frequency data for this variant in the population databases is considered unreliable, as metrics indicate poor data quality at this position in the gnomAD database. This variant has not been reported in the literature in individuals affected with CC2D2A-related conditions. ClinVar contains an entry for this variant (Variation ID: 283214). Advanced modeling of protein sequence and biophysical properties (such as structural, functional, and spatial information, amino acid conservation, physicochemical variation, residue mobility, and thermodynamic stability) performed at Invitae indicates that this missense variant is expected to disrupt CC2D2A protein function. In summary, the available evidence is currently insufficient to determine the role of this variant in disease. Therefore, it has been classified as a Variant of Uncertain Significance.

Eurofins Ntd Llc (ga)
Classification: Uncertain significance. Last evaluated: 2015-09-09. Review status: criteria provided, single submitter. Criteria: EGL Classification Definitions 2015. Collection method: clinical testing. Allele origin: germline. Observed: 1 variant allele, 1 heterozygote.